The following is an entry in ClinVar:

NM_018993.4(RIN2):c.1337G>A (p.Arg446Gln)

Gene: RIN2 (Ras and Rab interactor 2; plus strand). Cytogenetic location: 20p11.23.
Variant type: single nucleotide variant.
Coding change: c.1337G>A on transcript NM_018993.4 (MANE Select); coding-DNA position 1337, G replaced by A.
Protein change: p.Arg446Gln; replaces arginine 446 with glutamine.
Molecular consequence: missense variant.
Genome position (GRCh38, 1-based): chr20:19,975,362, G>A. VCF-style: chr20-19975362-G-A. GRCh37 (hg19) VCF-style: chr20-19956006-G-A.
Other names: c.1484G>A, p.Arg495Gln (NM_001242581.2); c.719G>A, p.Arg240Gln (NM_001378238.1); short protein forms R446Q, R495Q, R240Q.
Identifiers: ClinVar variation 436536 (VCV000436536.14), dbSNP rs1172506359, ClinGen allele CA408362353.

ClinVar aggregate classification (germline): Uncertain significance. Review status: criteria provided, multiple submitters, no conflicts (2 of 4 stars). 3 submissions from 3 submitters: Uncertain significance (3). Last evaluated 2025-05-04.

Conditions:
Inborn genetic diseases. Identifiers: MedGen C0950123, MeSH D030342.

Allele frequency attached by ClinVar (database versions not stated): gnomAD exomes below 0.00001 and 0.00001.
gnomAD v4.1: 5 of 1,613,722 alleles (0.00031%); highest among the groups gnomAD compares: East Asian, 0.0045%; no homozygotes.

Submissions (3):

Ambry Genetics
Classification: Uncertain significance for Inborn genetic diseases. Last evaluated: 2025-05-04. Review status: criteria provided, single submitter. Criteria: Ambry Variant Classification Scheme 2023. Collection method: clinical testing. Allele origin: germline.

Labcorp Genetics (formerly Invitae), Labcorp
Classification: Uncertain significance. Last evaluated: 2021-06-16. Review status: criteria provided, single submitter. Criteria: Invitae Variant Classification Sherloc (09022015). Collection method: clinical testing. Allele origin: germline.
Comment: In summary, the available evidence is currently insufficient to determine the role of this variant in disease. Therefore, it has been classified as a Variant of Uncertain Significance. Algorithms developed to predict the effect of missense changes on protein structure and function are either unavailable or do not agree on the potential impact of this missense change (SIFT: "Tolerated"; PolyPhen-2: "Not Available"; Align-GVGD: "Class C0"). This variant has not been reported in the literature in individuals with RIN2-related conditions. ClinVar contains an entry for this variant (Variation ID: 436536). This variant is not present in population databases (ExAC no frequency). This sequence change replaces arginine with glutamine at codon 446 of the RIN2 protein (p.Arg446Gln). The arginine residue is moderately conserved and there is a small physicochemical difference between arginine and glutamine.

Genetic Services Laboratory, University of Chicago
Classification: Uncertain significance. Last evaluated: 2016-03-17. Review status: criteria provided, single submitter. Criteria: ACMG Guidelines, 2015. Collection method: clinical testing. Allele origin: germline. Affected: no.